The following is an entry in ClinVar:

NM_024685.4(BBS10):c.815G>C (p.Gly272Ala)

Gene: BBS10 (Bardet-Biedl syndrome 10; minus strand). Cytogenetic location: 12q21.2.
Variant type: single nucleotide variant.
Coding change: c.815G>C on transcript NM_024685.4 (MANE Select); coding-DNA position 815, G replaced by C.
Protein change: p.Gly272Ala; replaces glycine 272 with alanine.
Molecular consequence: missense variant.
Genome position (GRCh38, 1-based): chr12:76,347,170, C>G on the plus strand (G>C on the coding strand, the complement: BBS10 is on the minus strand). VCF-style: chr12-76347170-C-G. GRCh37 (hg19) VCF-style: chr12-76740950-C-G.
Other names: short protein forms G272A.
Identifiers: ClinVar variation 858466 (VCV000858466.11), dbSNP rs781723681, ClinGen allele CA6694279.
Genomic context (GRCh38, chr12:76,347,170, plus strand): 5'-TCCATAATCCAAAATTGAGATGTCTGAAACTGTGCTTCTGAATTTAGAATAAACTCTGAT[C>G]CAGAAGTGGAAAAAAGAGGCTGAATGGTTTCTGTTACTATCACCATTCGCATGTCACCAT-3'
Protein context (NP_078961.3, residues 262-282): ETIQPLFSTS[Gly272Ala]SEFILNSEAQ

ClinVar aggregate classification (germline): Uncertain significance. Review status: criteria provided, multiple submitters, no conflicts (2 of 4 stars). 5 submissions from 5 submitters: Uncertain significance (4). 1 of the submissions does not count toward it. Last evaluated 2026-04-22.

Conditions:
Bardet-Biedl syndrome 10 (BBS10). Identifiers: Orphanet 110, MedGen C1859568, MONDO:0014438, OMIM 615987.
Bardet-Biedl syndrome (BBS). Identifiers: Orphanet 110, MedGen C0752166, MONDO:0015229.
BBS10-related disorder. Also called: BBS10-related condition.
Inborn genetic diseases. Identifiers: MedGen C0950123, MeSH D030342.

Allele frequency attached by ClinVar (database versions not stated): gnomAD 0.00001; TOPMed 0.00001; ExAC 0.00002.
gnomAD v4.1: 8 of 1,610,828 alleles (0.0005%); highest among the groups gnomAD compares: Admixed American, 0.013%; no homozygotes.

Submissions (5):

PreventionGenetics, part of Exact Sciences
Classification: Uncertain significance for BBS10-related condition. Last evaluated: 2026-04-22. Review status: criteria provided, single submitter. Criteria: ACMG Guidelines, 2015. Collection method: clinical testing. Allele origin: germline.
Comment: The BBS10 c.815G>C variant is predicted to result in the amino acid substitution p.Gly272Ala. To our knowledge, this variant has not been reported in the literature. This variant is reported in 0.017% of alleles in individuals of Latino descent in gnomAD. At this time, the clinical significance of this variant is uncertain due to the absence of conclusive functional and genetic evidence.

Ambry Genetics
Classification: Uncertain significance for Inborn genetic diseases. Last evaluated: 2025-06-07. Review status: criteria provided, single submitter. Criteria: Ambry Variant Classification Scheme 2023. Collection method: clinical testing. Allele origin: germline.

Labcorp Genetics (formerly Invitae), Labcorp
Classification: Uncertain significance for Bardet-Biedl syndrome. Last evaluated: 2022-05-15. Review status: criteria provided, single submitter. Criteria: Invitae Variant Classification Sherloc (09022015). Collection method: clinical testing. Allele origin: germline.
Comment: This sequence change replaces glycine, which is neutral and non-polar, with alanine, which is neutral and non-polar, at codon 272 of the BBS10 protein (p.Gly272Ala). This variant is present in population databases (rs781723681, gnomAD 0.01%). This variant has not been reported in the literature in individuals affected with BBS10-related conditions. ClinVar contains an entry for this variant (Variation ID: 858466). Algorithms developed to predict the effect of missense changes on protein structure and function output the following: SIFT: "Tolerated"; PolyPhen-2: "Benign"; Align-GVGD: "Class C0". The alanine amino acid residue is found in multiple mammalian species, which suggests that this missense change does not adversely affect protein function. In summary, the available evidence is currently insufficient to determine the role of this variant in disease. Therefore, it has been classified as a Variant of Uncertain Significance.

Fulgent Genetics
Classification: Uncertain significance for Bardet-Biedl syndrome 10. Last evaluated: 2021-12-28. Review status: criteria provided, single submitter. Criteria: ACMG Guidelines, 2015. Collection method: clinical testing. Allele origin: unknown.

Natera, Inc.
Classification: Uncertain significance for Bardet-Biedl syndrome type 10. Last evaluated: 2021-06-18. Review status: no assertion criteria provided. Collection method: clinical testing. Allele origin: germline. Not counted in ClinVar's aggregate classification.